The following is an entry in ClinVar:

ClinVar aggregate classification (germline): Uncertain significance. Review status: criteria provided, single submitter (1 of 4 stars). 2 submissions from 2 submitters: Uncertain significance (1). 1 of the submissions does not count toward it. Last evaluated 2021-04-16.

Conditions:
Hemochromatosis type 2A (HFE2A). Also called: Adult-Onset Hemochromatosis; HJV (HFE2)-Related Juvenile Hemochromatosis. Identifiers: Orphanet 79230, MedGen C1865614, MONDO:0011216, OMIM 602390.

Allele frequency attached by ClinVar (database versions not stated): gnomAD 0.00001.
gnomAD v4.1: 1 of 1,614,076 alleles (0.000062%); highest among the groups gnomAD compares: Admixed American, 0.0017%; no homozygotes.

Submissions (2):

Labcorp Genetics (formerly Invitae), Labcorp
Classification: Uncertain significance. Last evaluated: 2021-04-16. Review status: criteria provided, single submitter. Criteria: Invitae Variant Classification Sherloc (09022015). Collection method: clinical testing. Allele origin: germline.
Comment: Algorithms developed to predict the effect of missense changes on protein structure and function are either unavailable or do not agree on the potential impact of this missense change (SIFT: "Deleterious"; PolyPhen-2: "Possibly Damaging"; Align-GVGD: "Class C15"). In summary, the available evidence is currently insufficient to determine the role of this variant in disease. Therefore, it has been classified as a Variant of Uncertain Significance. This variant has not been reported in the literature in individuals with HJV-related conditions. This variant is not present in population databases (ExAC no frequency). This sequence change replaces aspartic acid with valine at codon 341 of the HJV protein (p.Asp341Val). The aspartic acid residue is highly conserved and there is a large physicochemical difference between aspartic acid and valine.

Natera, Inc.
Classification: Uncertain significance for Hemochromatosis type 2A. Last evaluated: 2025-02-03. Review status: no assertion criteria provided. Collection method: clinical testing. Allele origin: germline. Not counted in ClinVar's aggregate classification.

NM_213653.4(HJV):c.1022A>T (p.Asp341Val)

Gene: HJV (hemojuvelin BMP co-receptor; minus strand). Cytogenetic location: 1q21.1.
Variant type: single nucleotide variant.
Coding change: c.1022A>T on transcript NM_213653.4 (MANE Select); coding-DNA position 1022, A replaced by T.
Protein change: p.Asp341Val; replaces aspartic acid 341 with valine.
Molecular consequence: missense variant.
Genome position (GRCh38, 1-based): chr1:146,018,336, T>A on the plus strand (A>T on the coding strand, the complement: HJV is on the minus strand). VCF-style: chr1-146018336-T-A. GRCh37 (hg19) VCF-style: chr1-145416677-A-T.
Other names: c.344A>T, p.Asp115Val (NM_001316767.2, NM_202004.4, NM_213652.4); c.1022A>T, p.Asp341Val (NM_001379352.1); c.683A>T, p.Asp228Val (NM_145277.5); c.1022A>T (NM_213653.3); short protein forms D228V, D341V, D115V.
Identifiers: ClinVar variation 1511768 (VCV001511768.9), dbSNP rs1652462514, ClinGen allele CA342134488.